The following is an entry in ClinVar:

NM_014668.4(GREB1):c.3374A>G (p.His1125Arg)

Gene: GREB1 (growth regulating estrogen receptor binding 1; plus strand). Cytogenetic location: 2p25.1.
Variant type: single nucleotide variant.
Coding change: c.3374A>G on transcript NM_014668.4 (MANE Select); coding-DNA position 3374, A replaced by G.
Protein change: p.His1125Arg; replaces histidine 1125 with arginine.
Molecular consequence: missense variant.
Genome position (GRCh38, 1-based): chr2:11,616,682, A>G. VCF-style: chr2-11616682-A-G. GRCh37 (hg19) VCF-style: chr2-11756808-A-G.
Other names: short protein forms H1125R.
Identifiers: ClinVar variation 3778080 (VCV003778080.7).

ClinVar aggregate classification (germline): Uncertain significance (1 of 4 stars; one submission).

gnomAD v4.1: 4 of 1,613,256 alleles (0.00025%); highest among the groups gnomAD compares: Non-Finnish European, 0.00034%; no homozygotes.

Submission:

CeGaT Center for Human Genetics Tuebingen
Classification: Uncertain significance. Last evaluated: 2025-03-01. Review status: criteria provided, single submitter. Criteria: CeGaT Center For Human Genetics Tuebingen Variant Classification Criteria Version 2. Collection method: clinical testing. Allele origin: germline. Affected: yes. Observed: 1 variant allele.
Comment: GREB1: PM2, BP4